The following is an entry in ClinVar:

ClinVar aggregate classification (germline): Uncertain significance. Review status: criteria provided, multiple submitters, no conflicts (2 of 4 stars). 4 submissions from 4 submitters: Uncertain significance (4). Last evaluated 2026-03-13.

Conditions:
Inborn genetic diseases. Identifiers: MedGen C0950123, MeSH D030342.
PROM1-related disorder. Also called: PROM1-related disorders; PROM1-related condition.

Allele frequency attached by ClinVar (database versions not stated): gnomAD exomes 0.00015; ExAC 0.00018; 1000 Genomes Project 0.00020; TOPMed 0.00021; gnomAD 0.00024 and 0.00025; 1000 Genomes Project 30x 0.00031.
gnomAD v4.1: 385 of 1,604,000 alleles (0.024%); highest among the groups gnomAD compares: Non-Finnish European, 0.03%; no homozygotes.

Submissions (4):

PreventionGenetics, part of Exact Sciences
Classification: Uncertain significance for PROM1-related condition. Last evaluated: 2026-03-13. Review status: criteria provided, single submitter. Criteria: ACMG Guidelines, 2015. Collection method: clinical testing. Allele origin: germline.
Comment: The PROM1 c.1925C>T variant is predicted to result in the amino acid substitution p.Pro642Leu. To our knowledge, this variant has not been reported in the literature. This variant is reported in 0.026% of alleles in individuals of European (Non-Finnish) descent in gnomAD. At this time, the clinical significance of this variant is uncertain due to the absence of conclusive functional and genetic evidence.

Labcorp Genetics (formerly Invitae), Labcorp
Classification: Uncertain significance. Last evaluated: 2025-09-28. Review status: criteria provided, single submitter. Criteria: Invitae Variant Classification Sherloc (09022015). Collection method: clinical testing. Allele origin: germline.
Comment: This sequence change replaces proline, which is neutral and non-polar, with leucine, which is neutral and non-polar, at codon 642 of the PROM1 protein (p.Pro642Leu). This variant is present in population databases (rs555436815, gnomAD 0.03%). This variant has not been reported in the literature in individuals affected with PROM1-related conditions. ClinVar contains an entry for this variant (Variation ID: 955251). Invitae Evidence Modeling of protein sequence and biophysical properties (such as structural, functional, and spatial information, amino acid conservation, physicochemical variation, residue mobility, and thermodynamic stability) indicates that this missense variant is not expected to disrupt PROM1 protein function with a negative predictive value of 80%. In summary, the available evidence is currently insufficient to determine the role of this variant in disease. Therefore, it has been classified as a Variant of Uncertain Significance.

Ambry Genetics
Classification: Uncertain significance for Inborn genetic diseases. Last evaluated: 2024-11-08. Review status: criteria provided, single submitter. Criteria: Ambry Variant Classification Scheme 2023. Collection method: clinical testing. Allele origin: germline.

Blueprint Genetics
Classification: Uncertain significance. Last evaluated: 2024-10-14. Review status: criteria provided, single submitter. Criteria: ACMG Guidelines, 2015. Collection method: clinical testing. Allele origin: germline.

NM_006017.3(PROM1):c.1925C>T (p.Pro642Leu)

Gene: PROM1 (prominin 1; minus strand). Cytogenetic location: 4p15.32.
Variant type: single nucleotide variant.
Coding change: c.1925C>T on transcript NM_006017.3 (MANE Select); coding-DNA position 1925, C replaced by T.
Protein change: p.Pro642Leu; replaces proline 642 with leucine.
Molecular consequence: missense variant.
Genome position (GRCh38, 1-based): chr4:15,991,280, G>A on the plus strand (C>T on the coding strand, the complement: PROM1 is on the minus strand). VCF-style: chr4-15991280-G-A. GRCh37 (hg19) VCF-style: chr4-15992903-G-A.
Other names: c.1898C>T, p.Pro633Leu (NM_001145847.2, NM_001145848.2, NM_001145851.2 and 4 more transcripts); c.1925C>T, p.Pro642Leu (NM_001145849.2, NM_001145850.2); short protein forms P633L, P642L.
Identifiers: ClinVar variation 955251 (VCV000955251.11), dbSNP rs555436815, ClinGen allele CA2866585.
Genomic context (GRCh38, chr4:15,991,280, plus strand): 5'-ACCAAACTGTTTGCTTTTGCTTCTAGATCATATGCAAATGATAAAAGATTCACTCCTGCG[G>A]GGGATTTACCAGTCTACAATAGAAGTGAAAAAAATTGTCTTATGGATATGGGATCTTTAA-3'
Protein context (NP_006008.1, residues 632-652): DSYLAQTGKS[Pro642Leu]AGVNLLSFAY